The following is an entry in ClinVar:

ClinVar aggregate classification (germline): Uncertain significance. Review status: criteria provided, multiple submitters, no conflicts (2 of 4 stars). 3 submissions from 3 submitters: Uncertain significance (3). Last evaluated 2025-08-02.

Conditions:
Inborn genetic diseases. Identifiers: MedGen C0950123, MeSH D030342.
Dalmatian hypouricemia (RHUC1). Identifiers: MedGen C0473219, MONDO:0020728, OMIM 220150.

Allele frequency attached by ClinVar (database versions not stated): gnomAD 0.00001; ExAC 0.00002; gnomAD exomes 0.00003; TOPMed 0.00003.

Submissions (3):

Ambry Genetics
Classification: Uncertain significance for Inborn genetic diseases. Last evaluated: 2025-08-02. Review status: criteria provided, single submitter. Criteria: Ambry Variant Classification Scheme 2023. Collection method: clinical testing. Allele origin: germline.

Fulgent Genetics
Classification: Uncertain significance for Dalmatian hypouricemia. Last evaluated: 2022-03-10. Review status: criteria provided, single submitter. Criteria: ACMG Guidelines, 2015. Collection method: clinical testing. Allele origin: unknown.

Baylor Genetics
Classification: Uncertain significance for Dalmatian hypouricemia. Last evaluated: 2019-08-01. Review status: criteria provided, single submitter. Criteria: ACMG Guidelines, 2015. Collection method: clinical testing. Allele origin: unknown. Affected: yes.
Comment: This variant was determined to be of uncertain significance according to ACMG Guidelines, 2015 [PMID:25741868].

NM_144585.4(SLC22A12):c.334G>A (p.Asp112Asn)

Gene: SLC22A12 (solute carrier family 22 member 12; plus strand). Cytogenetic location: 11q13.1.
Variant type: single nucleotide variant.
Coding change: c.334G>A on transcript NM_144585.4 (MANE Select); coding-DNA position 334, G replaced by A.
Protein change: p.Asp112Asn; replaces aspartic acid 112 with asparagine.
Molecular consequence: missense variant. On other transcripts: 5 prime UTR variant (1).
Genome position (GRCh38, 1-based): chr11:64,591,890, G>A. VCF-style: chr11-64591890-G-A. GRCh37 (hg19) VCF-style: chr11-64359362-G-A.
Other names: c.334G>A (NM_144585.2); c.334G>A, p.Asp112Asn (NM_001276326.2, NM_001276327.2); c.-175G>A (NM_153378.3); short protein forms D112N.
Identifiers: ClinVar variation 1027747 (VCV001027747.5), dbSNP rs772733867, ClinGen allele CA6077027.